The following is an entry in ClinVar:

ClinVar aggregate classification (germline): Conflicting classifications of pathogenicity. Review status: criteria provided, conflicting classifications (1 of 4 stars). 4 submissions from 4 submitters: Likely pathogenic (1); Uncertain significance (3). Last evaluated 2026-07-17.

Conditions:
Hereditary cancer-predisposing syndrome. Also called: Neoplastic Syndromes, Hereditary; Hereditary Cancer Syndrome; Hereditary neoplastic syndrome; Tumor predisposition. Identifiers: Orphanet 140162, MedGen C0027672, MeSH D009386, MONDO:0015356.
Gorlin syndrome. Also called: Nevoid Basal Cell Carcinoma Syndrome; Basal cell nevus syndrome. Identifiers: Orphanet 377, MedGen C0004779, MONDO:0007187.

Submissions (4):

Ambry Genetics
Classification: Likely pathogenic for Hereditary cancer-predisposing syndrome. Last evaluated: 2026-07-17. Review status: criteria provided, single submitter. Criteria: Ambry Variant Classification Scheme 2023. Collection method: clinical testing. Allele origin: germline.
Comment: The p.Q816R variant (also known as c.2447A>G), located in coding exon 15 of the PTCH1 gene, results from an A to G substitution at nucleotide position 2447. The glutamine at codon 816 is replaced by arginine, an amino acid with highly similar properties. This variant was reported in individual(s) with features consistent with PTCH1-related nevoid basal cell carcinoma syndrome (Cosgun B et al. J Am Acad Dermatol, 2020 Aug;83:604-607; external communication; Ambry internal data). Based on internal structural analysis, this variant is more disruptive than known pathogenic variants (Ambry internal data). This amino acid position is highly conserved in available vertebrate species. In addition, this alteration is predicted to be deleterious by in silico analysis. This variant is considered to be rare based on population cohorts in the Genome Aggregation Database (gnomAD). Based on the majority of available evidence to date, this variant is likely to be pathogenic.

Labcorp Genetics (formerly Invitae), Labcorp
Classification: Uncertain significance for Gorlin syndrome. Last evaluated: 2025-03-09. Review status: criteria provided, single submitter. Criteria: Invitae Variant Classification Sherloc (09022015). Collection method: clinical testing. Allele origin: germline.
Comment: This sequence change replaces glutamine, which is neutral and polar, with arginine, which is basic and polar, at codon 816 of the PTCH1 protein (p.Gln816Arg). This variant is not present in population databases (gnomAD no frequency). This missense change has been observed in individual(s) with clinical features of basal cell nevus syndrome (PMID: 29575684; internal data). ClinVar contains an entry for this variant (Variation ID: 632963). Invitae Evidence Modeling of protein sequence and biophysical properties (such as structural, functional, and spatial information, amino acid conservation, physicochemical variation, residue mobility, and thermodynamic stability) has been performed for this missense variant. However, the output from this modeling did not meet the statistical confidence thresholds required to predict the impact of this variant on PTCH1 protein function. In summary, the available evidence is currently insufficient to determine the role of this variant in disease. Therefore, it has been classified as a Variant of Uncertain Significance.

GeneDx
Classification: Uncertain significance. Last evaluated: 2019-10-02. Review status: criteria provided, single submitter. Criteria: GeneDx Variant Classification Process June 2021. Collection method: clinical testing. Allele origin: germline. Affected: yes.
Comment: Observed in an individual with a personal and/or family history of features associated with Basal Cell Nevus Syndrome (Reinders 2018); In silico analysis, which includes splice predictors and evolutionary conservation, supports a deleterious effect; Not observed in large population cohorts (Lek 2016); Also known as PTCH1 2249A>G; This variant is associated with the following publications: (PMID: 29575684)

Women's Health and Genetics/Laboratory Corporation of America, LabCorp
Classification: Uncertain significance. Last evaluated: 2018-03-16. Review status: criteria provided, single submitter. Criteria: LabCorp Variant Classification Summary - May 2015. Collection method: clinical testing. Allele origin: germline.
Comment: Variant summary: PTCH1 c.2447A>G (p.Gln816Arg) results in a conservative amino acid change in the encoded protein sequence. Four of five in-silico tools predict a damaging effect of the variant on protein function. The variant was absent in 121412 control chromosomes (ExAC). The available data on variant occurrences in the general population are insufficient to allow any conclusion about variant significance. To our knowledge, no occurrence of c.2447A>G in individuals affected with Nevoid Basal Cell Carcinoma Syndrome (Gorlin Syndrome) and no experimental evidence demonstrating its impact on protein function have been reported. No clinical diagnostic laboratories have submitted clinical-significance assessments for this variant to ClinVar after 2014. Based on the evidence outlined above, the variant was classified as uncertain significance.

Literature cited by the submitters: PubMed 31374299 (cited by Ambry Genetics); PubMed 29575684 (cited by Labcorp Genetics (formerly Invitae), Labcorp).

NM_000264.5(PTCH1):c.2447A>G (p.Gln816Arg)

Genes: PTCH1 (patched 1; minus strand), LOC100507346 (uncharacterized LOC100507346; plus strand). Cytogenetic location: 9q22.32.
Variant type: single nucleotide variant.
Coding change: c.2447A>G on transcript NM_000264.5 (MANE Select); coding-DNA position 2447, A replaced by G.
Protein change: p.Gln816Arg; replaces glutamine 816 with arginine.
Molecular consequence: missense variant. On other transcripts: non-coding transcript variant (1).
Genome position (GRCh38, 1-based): chr9:95,467,229, T>C on the plus strand (A>G on the coding strand, the complement: PTCH1 is on the minus strand). VCF-style: chr9-95467229-T-C. GRCh37 (hg19) VCF-style: chr9-98229511-T-C.
Other names: c.2249A>G, p.Gln750Arg (NM_001083602.3); c.2444A>G, p.Gln815Arg (NM_001083603.3); c.1994A>G, p.Gln665Arg (NM_001083604.3, NM_001083605.3, NM_001083606.3 and 1 more transcripts); c.2291A>G, p.Gln764Arg (NM_001354918.2); short protein forms Q750R, Q816R, Q815R, Q665R, Q764R.
Identifiers: ClinVar variation 632963 (VCV000632963.7), dbSNP rs1564030731, ClinGen allele CA374114142.
Genomic context (GRCh38, chr9:95,467,229, plus strand): 5'-TCTTCCAACATGACATACTTCACGTTACTGAAACTCCTGTGTAGGTCGTAAAGTAAGTGC[T>C]GGATATTCGGGTAGTCTGCTTTCTGGGTGACTATATACATGTTGTAGAAAGAAAAGTATT-3'
Protein context (NP_000255.2, residues 806-826): VTQKADYPNI[Gln816Arg]HLLYDLHRSF